The following is an entry in ClinVar:

NM_001367624.2(ZNF469):c.2388C>T (p.Thr796=)

Gene: ZNF469 (zinc finger protein 469; plus strand). Cytogenetic location: 16q24.2.
Variant type: single nucleotide variant.
Coding change: c.2388C>T on transcript NM_001367624.2 (MANE Select); coding-DNA position 2388, C replaced by T.
Protein change: p.Thr796=; no amino-acid change (threonine 796 retained).
Molecular consequence: synonymous variant.
Genome position (GRCh38, 1-based): chr16:88,429,858, C>T. VCF-style: chr16-88429858-C-T. GRCh37 (hg19) VCF-style: chr16-88496266-C-T.
Other names: NM_001127464.1:c.2388C>T; NM_001127464.2:c.2388C>T.
Identifiers: ClinVar variation 2624533 (VCV002624533.5), dbSNP rs891661990, ClinGen allele CA286373614.
Genomic context (GRCh38, chr16:88,429,858, plus strand): 5'-CCCCGCTGCCCCCAGAGTCCCTGCCGACGCACACGCGGGCTTGCTCAGCCACGCGAAGAC[C>T]TTCCTGTTAGCTGGGGACGCCCAGGCCGAGGGCAAAGACGACCCCCTGAGGACAGGCTTC-3'
Protein context (NP_001354553.1, residues 786-806): AHAGLLSHAK[Thr796=]FLLAGDAQAE

ClinVar aggregate classification (germline): Likely benign. Review status: criteria provided, multiple submitters, no conflicts (2 of 4 stars). 3 submissions from 3 submitters: Likely benign (2). 1 of the submissions does not count toward it. Last evaluated 2025-09-08.

Conditions:
ZNF469-related disorder. Also called: ZNF469-related condition.
Cardiovascular phenotype. Identifiers: MedGen CN230736.

Allele frequency attached by ClinVar (database versions not stated): gnomAD exomes 0.00001.
gnomAD v4.1: 9 of 1,549,984 alleles (0.00058%); highest among the groups gnomAD compares: Non-Finnish European, 0.0007%; no homozygotes.

Submissions (3):

Labcorp Genetics (formerly Invitae), Labcorp
Classification: Likely benign. Last evaluated: 2025-09-08. Review status: criteria provided, single submitter. Criteria: Invitae Variant Classification Sherloc (09022015). Collection method: clinical testing. Allele origin: germline.

Ambry Genetics
Classification: Likely benign for Cardiovascular phenotype. Last evaluated: 2023-06-29. Review status: criteria provided, single submitter. Criteria: Ambry Variant Classification Scheme 2023. Collection method: clinical testing. Allele origin: germline.

PreventionGenetics, part of Exact Sciences
Classification: Likely benign for ZNF469-related condition. Last evaluated: 2022-02-02. Review status: no assertion criteria provided. Collection method: clinical testing. Allele origin: germline. Not counted in ClinVar's aggregate classification.
Comment: This variant is classified as likely benign based on ACMG/AMP sequence variant interpretation guidelines (Richards et al. 2015 PMID: 25741868, with internal and published modifications).